The following is an entry in ClinVar:

NM_001039876.3(SYNE4):c.361C>T (p.Gln121Ter)

Gene: SYNE4 (spectrin repeat containing nuclear envelope family member 4; minus strand). Cytogenetic location: 19q13.12.
Variant type: single nucleotide variant.
Coding change: c.361C>T on transcript NM_001039876.3 (MANE Select); coding-DNA position 361, C replaced by T.
Protein change: p.Gln121Ter; replaces glutamine 121 with a stop codon.
Molecular consequence: nonsense. On other transcripts: intron variant (1).
Genome position (GRCh38, 1-based): chr19:36,007,187, G>A on the plus strand (C>T on the coding strand, the complement: SYNE4 is on the minus strand). VCF-style: chr19-36007187-G-A. GRCh37 (hg19) VCF-style: chr19-36498089-G-A.
Other names: c.280-516C>T (NM_001297735.3); short protein forms Q121*.
Identifiers: ClinVar variation 2834024 (VCV002834024.3), dbSNP rs1216088309, ClinGen allele CA405434162.

ClinVar aggregate classification (germline): Pathogenic (1 of 4 stars; one submission).

gnomAD v4.1: 1 of 1,584,312 alleles (0.000063%); no homozygotes.

Submission:

Labcorp Genetics (formerly Invitae), Labcorp
Classification: Pathogenic. Last evaluated: 2023-08-30. Review status: criteria provided, single submitter. Criteria: Invitae Variant Classification Sherloc (09022015). Collection method: clinical testing. Allele origin: germline.
Comment: For these reasons, this variant has been classified as Pathogenic. This variant has not been reported in the literature in individuals affected with SYNE4-related conditions. This variant is not present in population databases (gnomAD no frequency). This sequence change creates a premature translational stop signal (p.Gln121*) in the SYNE4 gene. It is expected to result in an absent or disrupted protein product. Loss-of-function variants in SYNE4 are known to be pathogenic (PMID: 23348741, 28958982).

Literature cited by the submitters: PubMed 23348741; PubMed 28958982.